The following is an entry in ClinVar:

ClinVar aggregate classification (germline): Uncertain significance. Review status: criteria provided, multiple submitters, no conflicts (2 of 4 stars). 2 submissions from 2 submitters: Uncertain significance (2). Last evaluated 2024-11-11.

Submissions (2):

Labcorp Genetics (formerly Invitae), Labcorp
Classification: Uncertain significance. Last evaluated: 2024-11-11. Review status: criteria provided, single submitter. Criteria: Invitae Variant Classification Sherloc (09022015). Collection method: clinical testing. Allele origin: germline.
Comment: This sequence change replaces tryptophan, which is neutral and slightly polar, with serine, which is neutral and polar, at codon 570 of the SLC1A2 protein (p.Trp570Ser). This variant is not present in population databases (gnomAD no frequency). This variant has not been reported in the literature in individuals affected with SLC1A2-related conditions. ClinVar contains an entry for this variant (Variation ID: 1307851). An algorithm developed to predict the effect of missense changes on protein structure and function (PolyPhen-2) suggests that this variant is likely to be tolerated. In summary, the available evidence is currently insufficient to determine the role of this variant in disease. Therefore, it has been classified as a Variant of Uncertain Significance.

GeneDx
Classification: Uncertain significance. Last evaluated: 2019-08-14. Review status: criteria provided, single submitter. Criteria: GeneDx Variant Classification Process June 2021. Collection method: clinical testing. Allele origin: germline. Affected: yes.
Comment: Not observed in large population cohorts (Lek et al., 2016); In silico analysis, which includes protein predictors and evolutionary conservation, supports that this variant does not alter protein structure/function; Has not been previously published as pathogenic or benign to our knowledge

NM_004171.4(SLC1A2):c.1709G>C (p.Trp570Ser)

Gene: SLC1A2 (solute carrier family 1 member 2; minus strand). Cytogenetic location: 11p13.
Variant type: single nucleotide variant.
Coding change: c.1709G>C on transcript NM_004171.4 (MANE Select); coding-DNA position 1709, G replaced by C.
Protein change: p.Trp570Ser; replaces tryptophan 570 with serine.
Molecular consequence: missense variant.
Genome position (GRCh38, 1-based): chr11:35,260,910, C>G on the plus strand (G>C on the coding strand, the complement: SLC1A2 is on the minus strand). VCF-style: chr11-35260910-C-G. GRCh37 (hg19) VCF-style: chr11-35282457-C-G.
Other names: c.1682G>C, p.Trp561Ser (NM_001195728.3, NM_001252652.2); short protein forms W561S, W570S.
Identifiers: ClinVar variation 1307851 (VCV001307851.6), dbSNP rs2134587600, ClinGen allele CA380124625.